The following is an entry in ClinVar:

ClinVar aggregate classification (germline): Uncertain significance (1 of 4 stars; one submission).

Conditions:
Combined oxidative phosphorylation defect type 14. Also called: Combined oxidative phosphorylation deficiency 14. Identifiers: Orphanet 319519, MedGen C4755312, MONDO:0013986, OMIM 614946.

Submission:

Labcorp Genetics (formerly Invitae), Labcorp
Classification: Uncertain significance for Combined oxidative phosphorylation defect type 14. Last evaluated: 2022-06-13. Review status: criteria provided, single submitter. Criteria: Invitae Variant Classification Sherloc (09022015). Collection method: clinical testing. Allele origin: germline.
Comment: This sequence change replaces glutamine, which is neutral and polar, with histidine, which is basic and polar, at codon 350 of the FARS2 protein (p.Gln350His). This variant is not present in population databases (gnomAD no frequency). This variant has not been reported in the literature in individuals affected with FARS2-related conditions. Advanced modeling of protein sequence and biophysical properties (such as structural, functional, and spatial information, amino acid conservation, physicochemical variation, residue mobility, and thermodynamic stability) performed at Invitae indicates that this missense variant is not expected to disrupt FARS2 protein function. In summary, the available evidence is currently insufficient to determine the role of this variant in disease. Therefore, it has been classified as a Variant of Uncertain Significance.

NM_006567.5(FARS2):c.1050G>C (p.Gln350His)

Gene: FARS2 (phenylalanyl-tRNA synthetase 2, mitochondrial; plus strand). Cytogenetic location: 6p25.1.
Variant type: single nucleotide variant.
Coding change: c.1050G>C on transcript NM_006567.5 (MANE Select); coding-DNA position 1050, G replaced by C.
Protein change: p.Gln350His; replaces glutamine 350 with histidine.
Molecular consequence: missense variant.
Genome position (GRCh38, 1-based): chr6:5,545,325, G>C. VCF-style: chr6-5545325-G-C. GRCh37 (hg19) VCF-style: chr6-5545558-G-C.
Other names: c.1050G>C, p.Gln350His (NM_001318872.2, NM_001374875.1, NM_001374876.1 and 4 more transcripts); c.918G>C, p.Gln306His (NM_001375258.1); c.354G>C, p.Gln118His (NM_001375259.1, NM_001375260.1); short protein forms Q118H, Q350H, Q306H.
Identifiers: ClinVar variation 1474376 (VCV001474376.5), dbSNP rs2150500869, ClinGen allele CA362736691.
Genomic context (GRCh38, chr6:5,545,325, plus strand): 5'-TCTCTTCTGGTGTGAGGACGAGCGCTTCCTGAAGCAGTTCTGTGTATCCAACATTAATCA[G>C]AAGGTGAAGTTTCAGGTAAGATGACTTGCAAGAACTGAATAGATAATAATAAAAATGGCT-3'
Protein context (NP_006558.1, residues 340-360): LKQFCVSNIN[Gln350His]KVKFQPLSKY